The following is an entry in ClinVar:

ClinVar aggregate classification (germline): Uncertain significance (0 of 4 stars; one submission).

Conditions:
ECE1-related disorder. Also called: ECE1-related condition.

Submission:

PreventionGenetics, part of Exact Sciences
Classification: Uncertain significance for ECE1-related condition. Last evaluated: 2024-05-20. Review status: no assertion criteria provided. Collection method: clinical testing. Allele origin: germline.
Comment: The ECE1 c.1488+1G>A variant is predicted to disrupt the GT donor site and interfere with normal splicing. To our knowledge, this variant has not been reported in the literature or in a large population database, indicating this variant is rare. At this time, the clinical significance of this variant is uncertain due to the absence of conclusive functional and genetic evidence.

NM_001397.3(ECE1):c.1488+1G>A

Gene: ECE1 (endothelin converting enzyme 1; minus strand). Cytogenetic location: 1p36.12.
Variant type: single nucleotide variant.
Coding change: c.1488+1G>A on transcript NM_001397.3 (MANE Select); the canonical splice donor site of the intron after coding-DNA position 1488, G replaced by A.
Molecular consequence: splice donor variant.
Genome position (GRCh38, 1-based): chr1:21,236,745, C>T on the plus strand (G>A on the coding strand, the complement: ECE1 is on the minus strand). VCF-style: chr1-21236745-C-T. GRCh37 (hg19) VCF-style: chr1-21563238-C-T.
Other names: c.1440+1G>A (NM_001113348.2); c.1479+1G>A (NM_001113349.2); c.1452+1G>A (NM_001113347.2).
Identifiers: ClinVar variation 3349488 (VCV003349488.1).